The following is an entry in ClinVar:

NC_000007.13:g.(?_124491926)_(124537227_?)del

Gene: POT1 (protection of telomeres 1; minus strand). Cytogenetic location: 7q31.33.
Variant type: Deletion.
Identifiers: ClinVar variation 2426153 (VCV002426153.4).

ClinVar aggregate classification (germline): Pathogenic (1 of 4 stars; one submission).

Conditions:
Tumor predisposition syndrome 3 (TPDS3). Also called: Melanoma, cutaneous malignant, susceptibility to, 10; Glioma susceptibility 9; LONG TELOMERE SYNDROME, POT1-RELATED; POT1 Tumor Predisposition. Identifiers: Orphanet 618, MedGen C4014476, MONDO:0014368, OMIM 615848.

Submission:

Labcorp Genetics (formerly Invitae), Labcorp
Classification: Pathogenic for Tumor predisposition syndrome 3. Last evaluated: 2022-09-21. Review status: criteria provided, single submitter. Criteria: Invitae Variant Classification Sherloc (09022015). Collection method: clinical testing. Allele origin: germline.
Comment: This variant is a gross deletion of the genomic region encompassing exon(s) 5-11 of the POT1 gene, which includes the initiator codon. This deletion extends beyond the assayed region for this gene and therefore may encompass additional genes. It is expected to result in an absent or disrupted protein product. Loss-of-function variants in POT1 are known to be pathogenic (PMID: 32155570). This variant has not been reported in the literature in individuals affected with POT1-related conditions. For these reasons, this variant has been classified as Pathogenic.

Literature cited by the submitters: PubMed 32155570.